The following is an entry in ClinVar:

ClinVar aggregate classification (germline): Pathogenic/Likely pathogenic. Review status: criteria provided, multiple submitters, no conflicts (2 of 4 stars). 5 submissions from 5 submitters: Pathogenic (3); Likely pathogenic (2). Last evaluated 2025-10-09.

Conditions:
LARS1-related disorder. Also called: LARS1-related condition.
Infantile liver failure syndrome 1 (ILFS1). Identifiers: Orphanet 370088, MedGen C3809522, MONDO:0024568, OMIM 615438.
Acute infantile liver failure due to synthesis defect of mtDNA-encoded proteins. Also called: TRMU Deficiency; Liver failure acute infantile; LIVER FAILURE, INFANTILE, TRANSIENT. Identifiers: Orphanet 217371, MedGen C3278664, MONDO:0013111, OMIM 613070.

Allele frequency attached by ClinVar (database versions not stated): TOPMed 0.00001; gnomAD 0.00006; ESP Exome Variant Server 0.00008.
gnomAD v4.1: 15 of 1,612,694 alleles (0.00093%); highest among the groups gnomAD compares: Middle Eastern, 0.016%; no homozygotes.

Submissions (5):

Institute of Human Genetics, University of Leipzig Medical Center
Classification: Pathogenic for Infantile liver failure syndrome 1. Last evaluated: 2025-10-09. Review status: criteria provided, single submitter. Criteria: ACMG Guidelines, 2015. Collection method: clinical testing. Allele origin: unknown. Inheritance: Autosomal recessive inheritance. Affected: yes.
Comment: Criteria applied: PVS1,PM3_STR,PM2

Women's Health and Genetics/Laboratory Corporation of America, LabCorp
Classification: Pathogenic for Acute infantile liver failure due to synthesis defect of mtDNA-encoded proteins. Last evaluated: 2022-11-04. Review status: criteria provided, single submitter. Criteria: LabCorp Variant Classification Summary - May 2015. Collection method: clinical testing. Allele origin: germline.
Comment: Variant summary: LARS c.3313C>T (p.Arg1105X) results in a premature termination codon, predicted to cause a truncation of the encoded protein. Truncations downstream of this position have been classified as pathogenic by our laboratory. The variant allele was found at a frequency of 2e-05 in 250994 control chromosomes (gnomAD). c.3313C>T has been reported in the literature as a homozygous genotype in two siblings affected with Liver Failure Acute Infantile, Type 1 (e.g. Lenz_2020). These data indicate that the variant is likely to be associated with disease. At least one publication reports experimental evidence evaluating an impact of the variant on protein function in fibroblasts derived from a homozygous patient (e.g. Lenz_2020). The variant resulted in a truncated protein product but did not appear to undergo nonsense mediated decay. The protein showed reduced enzymatic activity, approximately 70% of normal, which was further reduced at higher temperatures to approximately 45% of normal, likely as a result of reduced protein stability, as indicated by a reduced expression at higher temperatures evaluated by western blotting. Three submitters have provided clinical-significance assessments for this variant to ClinVar after 2014 without evidence for independent evaluation. All laboratories classified the variant as either pathogenic (n=2) or likely pathogenic (n=1). Based on the evidence outlined above, the variant was classified as pathogenic.

Institute for Clinical Genetics, University Hospital TU Dresden, University Hospital TU Dresden
Classification: Pathogenic. Last evaluated: 2021-11-03. Review status: criteria provided, single submitter. Criteria: ACMG Guidelines, 2015. Collection method: clinical testing. Allele origin: germline.

CeGaT Center for Human Genetics Tuebingen
Classification: Likely pathogenic. Last evaluated: 2018-05-01. Review status: criteria provided, single submitter. Criteria: CeGaT Center For Human Genetics Tuebingen Variant Classification Criteria Version 2. Collection method: clinical testing. Allele origin: germline. Affected: yes. Observed: 4 variant alleles.

Rady Children's Institute for Genomic Medicine, Rady Children's Hospital San Diego
Classification: Likely pathogenic for LARS1-Related Disorder. Review status: criteria provided, single submitter. Criteria: ACMG Guidelines, 2015. Collection method: clinical testing. Allele origin: germline. Affected: yes.
Comment: This nonsense variant found in exon 31 of 32 is predicted to result in protein truncation. This variant has been previously reported as a homozygous change in two related individuals with features of infantile liver failure syndrome 1 (ILFS1), however both were noted to lack the episodic liver dysfunction that is typical of the disorder (PMID: 32699352). Experimental studies have shown that the presence of the c.3313C>T (p.Arg1105Ter) variant leads to reduced LARS1 enzyme activity, and that the variant likely causes truncation of the LARS1 protein (PMID: 32699352). The c.3313C>T (p.Arg1105Ter) variant is present in the heterozygous state in the gnomAD population database at a frequency of 0.002479% (7/282358) and is absent in the homozygous state. Based on the available evidence, the c.3313C>T (p.Arg1105Ter) variant is classified as Likely Pathogenic.

Literature cited by the submitters: PubMed 32699352 (cited by Women's Health and Genetics/Laboratory Corporation of America, LabCorp).

NM_020117.11(LARS1):c.3313C>T (p.Arg1105Ter)

Gene: LARS1 (leucyl-tRNA synthetase 1; minus strand). Cytogenetic location: 5q32.
Variant type: single nucleotide variant.
Coding change: c.3313C>T on transcript NM_020117.11 (MANE Select); coding-DNA position 3313, C replaced by T.
Protein change: p.Arg1105Ter; replaces arginine 1105 with a stop codon.
Molecular consequence: nonsense.
Genome position (GRCh38, 1-based): chr5:146,120,383, G>A on the plus strand (C>T on the coding strand, the complement: LARS1 is on the minus strand). VCF-style: chr5-146120383-G-A. GRCh37 (hg19) VCF-style: chr5-145499946-G-A.
Other names: c.3175C>T, p.Arg1059Ter (NM_001317964.2); c.3151C>T, p.Arg1051Ter (NM_001317965.2); c.3232C>T, p.Arg1078Ter (NM_016460.4); c.3313C>T (NM_020117.10); short protein forms R1105*, R1059*, R1078*, R1051*.
Identifiers: ClinVar variation 214577 (VCV000214577.49), dbSNP rs369437593, ClinGen allele CA325114.